The following is an entry in ClinVar:

ClinVar aggregate classification (germline): Uncertain significance (1 of 4 stars; one submission).

Conditions:
Early Myoclonic Encephalopathy. Identifiers: MedGen C0270855.

Allele frequency attached by ClinVar (database versions not stated): gnomAD 0.00001; ExAC 0.00001.
gnomAD v4.1: 5 of 1,604,520 alleles (0.00031%); highest among the groups gnomAD compares: Non-Finnish European, 0.00042%; no homozygotes.

Submission:

Labcorp Genetics (formerly Invitae), Labcorp
Classification: Uncertain significance for Early Myoclonic Encephalopathy. Last evaluated: 2024-02-05. Review status: criteria provided, single submitter. Criteria: Invitae Variant Classification Sherloc (09022015). Collection method: clinical testing. Allele origin: germline.
Comment: This sequence change replaces arginine, which is basic and polar, with cysteine, which is neutral and slightly polar, at codon 51 of the JMJD1C protein (p.Arg51Cys). The frequency data for this variant in the population databases is considered unreliable, as metrics indicate poor data quality at this position in the gnomAD database. This variant has not been reported in the literature in individuals affected with JMJD1C-related conditions. ClinVar contains an entry for this variant (Variation ID: 1952153). An algorithm developed to predict the effect of missense changes on protein structure and function (PolyPhen-2) suggests that this variant is likely to be tolerated. In summary, the available evidence is currently insufficient to determine the role of this variant in disease. Therefore, it has been classified as a Variant of Uncertain Significance.

NM_032776.3(JMJD1C):c.151C>T (p.Arg51Cys)

Genes: JMJD1C (jumonji domain containing 1C; minus strand), JMJD1C-AS1 (JMJD1C antisense RNA 1; plus strand). Cytogenetic location: 10q21.3.
Variant type: single nucleotide variant.
Coding change: c.151C>T on transcript NM_032776.3 (MANE Select); coding-DNA position 151, C replaced by T.
Protein change: p.Arg51Cys; replaces arginine 51 with cysteine.
Molecular consequence: missense variant. On other transcripts: non-coding transcript variant (1), intron variant (2).
Genome position (GRCh38, 1-based): chr10:63,465,512, G>A on the plus strand (C>T on the coding strand, the complement: JMJD1C is on the minus strand). VCF-style: chr10-63465512-G-A. GRCh37 (hg19) VCF-style: chr10-65225272-G-A.
Other names: c.151C>T, p.Arg51Cys (NM_001322252.2); c.-384+56226C>T (NM_001322258.2); c.-379+56226C>T (NM_001318154.2); short protein forms R51C.
Identifiers: ClinVar variation 1952153 (VCV001952153.5), dbSNP rs774072492, ClinGen allele CA5519204.